The following is an entry in ClinVar:

ClinVar aggregate classification (germline): Uncertain significance (1 of 4 stars; one submission).

Allele frequency attached by ClinVar (database versions not stated): gnomAD exomes below 0.00001; gnomAD 0.00001.
gnomAD v4.1: 3 of 1,613,732 alleles (0.00019%); highest among the groups gnomAD compares: African/African-American, 0.0027%; no homozygotes.

Submission:

Labcorp Genetics (formerly Invitae), Labcorp
Classification: Uncertain significance. Last evaluated: 2021-07-11. Review status: criteria provided, single submitter. Criteria: Invitae Variant Classification Sherloc (09022015). Collection method: clinical testing. Allele origin: germline.
Comment: In summary, the available evidence is currently insufficient to determine the role of this variant in disease. Therefore, it has been classified as a Variant of Uncertain Significance. Algorithms developed to predict the effect of missense changes on protein structure and function are either unavailable or do not agree on the potential impact of this missense change (SIFT: "Deleterious"; PolyPhen-2: "Probably Damaging"; Align-GVGD: "Class C0"). This variant has not been reported in the literature in individuals affected with C5-related conditions. This variant is not present in population databases (ExAC no frequency). This sequence change replaces threonine with alanine at codon 1430 of the C5 protein (p.Thr1430Ala). The threonine residue is highly conserved and there is a small physicochemical difference between threonine and alanine.

NM_001735.3(C5):c.4288A>G (p.Thr1430Ala)

Gene: C5 (complement C5; minus strand). Cytogenetic location: 9q33.2.
Variant type: single nucleotide variant.
Coding change: c.4288A>G on transcript NM_001735.3 (MANE Select); coding-DNA position 4288, A replaced by G.
Protein change: p.Thr1430Ala; replaces threonine 1430 with alanine.
Molecular consequence: missense variant.
Genome position (GRCh38, 1-based): chr9:120,963,671, T>C on the plus strand (A>G on the coding strand, the complement: C5 is on the minus strand). VCF-style: chr9-120963671-T-C. GRCh37 (hg19) VCF-style: chr9-123725949-T-C.
Other names: c.4306A>G, p.Thr1436Ala (NM_001317163.2); short protein forms T1430A, T1436A.
Identifiers: ClinVar variation 1366741 (VCV001366741.8), dbSNP rs1178589382, ClinGen allele CA374748476.